The following is an entry in ClinVar:

ClinVar aggregate classification (germline): Uncertain significance (1 of 4 stars; one submission).

Allele frequency attached by ClinVar (database versions not stated): TOPMed below 0.00001.

Submission:

Ambry Genetics
Classification: Uncertain significance. Last evaluated: 2024-05-20. Review status: criteria provided, single submitter. Criteria: Ambry Variant Classification Scheme 2023. Collection method: clinical testing. Allele origin: germline.
Comment: The p.V838I variant (also known as c.2512G>A), located in coding exon 4 of the ALPK2 gene, results from a G to A substitution at nucleotide position 2512. The valine at codon 838 is replaced by isoleucine, an amino acid with highly similar properties. This amino acid position is conserved. In addition, this alteration is predicted to be tolerated by in silico analysis. Since supporting evidence is limited at this time, the clinical significance of this alteration remains unclear.

NM_052947.4(ALPK2):c.2512G>A (p.Val838Ile)

Gene: ALPK2 (alpha kinase 2; minus strand). Cytogenetic location: 18q21.31.
Variant type: single nucleotide variant.
Coding change: c.2512G>A on transcript NM_052947.4 (MANE Select); coding-DNA position 2512, G replaced by A.
Protein change: p.Val838Ile; replaces valine 838 with isoleucine.
Molecular consequence: missense variant.
Genome position (GRCh38, 1-based): chr18:58,537,675, C>T on the plus strand (G>A on the coding strand, the complement: ALPK2 is on the minus strand). VCF-style: chr18-58537675-C-T. GRCh37 (hg19) VCF-style: chr18-56204907-C-T.
Other names: short protein forms V838I.
Identifiers: ClinVar variation 1792420 (VCV001792420.3), dbSNP rs777843581, ClinGen allele CA402570371.